The following is an entry in ClinVar:

ClinVar aggregate classification (germline): Benign/Likely benign. Review status: criteria provided, single submitter (1 of 4 stars). 2 submissions from 1 submitter: Benign (1); Likely benign (1). Last evaluated 2018-01-12.

Conditions:
Hyperparathyroidism. Identifiers: MedGen C0020502, MONDO:0001741, HP:0000843.
Multiple endocrine neoplasia, type 1 (MEN1). Also called: MEA I; MEN I; WERMER SYNDROME; Endocrine adenomatosis multiple; MEN 1. Identifiers: Orphanet 652, MedGen C0025267, MeSH D018761, MONDO:0007540, OMIM 131100.

Allele frequency attached by ClinVar (database versions not stated): gnomAD 0.00133 and 0.00236; TOPMed 0.00170; gnomAD exomes 0.00446; 1000 Genomes Project 30x 0.01015; 1000 Genomes Project 0.01058.
gnomAD v4.1: 2,823 of 715,460 alleles (0.39%); highest among the groups gnomAD compares: South Asian, 3.2%; 49 homozygotes.

Submissions (2):

Illumina Laboratory Services, Illumina
Classification: Likely benign for Hyperparathyroidism. Last evaluated: 2018-01-12. Review status: criteria provided, single submitter. Criteria: ICSL Variant Classification Criteria 13 December 2019. Collection method: clinical testing. Allele origin: germline.
Comment: This variant was observed in the ICSL laboratory as part of a predisposition screen in an ostensibly healthy population. It had not been previously curated by ICSL or reported in the Human Gene Mutation Database (HGMD: prior to June 1st, 2018), and was therefore a candidate for classification through an automated scoring system. Utilizing variant allele frequency, disease prevalence and penetrance estimates, and inheritance mode, an automated score was calculated to assess if this variant is too frequent to cause the disease. Based on the score and internal cut-off values, a variant classified as likely benign is not then subjected to further curation. The score for this variant resulted in a classification of likely benign for this disease.

Illumina Laboratory Services, Illumina
Classification: Benign for Multiple endocrine neoplasia, type 1. Last evaluated: 2018-01-12. Review status: criteria provided, single submitter. Criteria: ICSL Variant Classification Criteria 13 December 2019. Collection method: clinical testing. Allele origin: germline.
Comment: This variant was observed in the ICSL laboratory as part of a predisposition screen in an ostensibly healthy population. It had not been previously curated by ICSL or reported in the Human Gene Mutation Database (HGMD: prior to June 1st, 2018), and was therefore a candidate for classification through an automated scoring system. Utilizing variant allele frequency, disease prevalence and penetrance estimates, and inheritance mode, an automated score was calculated to assess if this variant is too frequent to cause the disease. Based on the score and internal cut-off values, a variant classified as benign is not then subjected to further curation. The score for this variant resulted in a classification of benign for this disease.

NM_001370259.2(MEN1):c.*185C>T

Gene: MEN1 (menin 1; minus strand). Cytogenetic location: 11q13.1.
Variant type: single nucleotide variant.
Coding change: c.*185C>T on transcript NM_001370259.2 (MANE Select); 185 bases downstream of the stop codon, C replaced by T.
Molecular consequence: 3 prime UTR variant.
Genome position (GRCh38, 1-based): chr11:64,804,149, G>A on the plus strand (C>T on the coding strand, the complement: MEN1 is on the minus strand). VCF-style: chr11-64804149-G-A. GRCh37 (hg19) VCF-style: chr11-64571621-G-A.
Other names: c.*185C>T (NM_000244.4, NM_001370251.2, NM_001370260.2 and 9 more transcripts).
Identifiers: ClinVar variation 305310 (VCV000305310.6), dbSNP rs111895237, ClinGen allele CA10631169.